The following is an entry in ClinVar:

ClinVar aggregate classification (germline): Benign/Likely benign. Review status: criteria provided, single submitter (1 of 4 stars). 2 submissions from 1 submitter: Benign (1); Likely benign (1). Last evaluated 2018-01-13.

Conditions:
Neural tube defect (NTD). Also called: Neural tube defects. Identifiers: Orphanet 3388, Orphanet 823, MedGen C0027794, MONDO:0018075, HP:0045005.
Sacral defect with anterior meningocele. Identifiers: MedGen C1838568, OMIM 600145.

Allele frequency attached by ClinVar (database versions not stated): TOPMed 0.00072; 1000 Genomes Project 30x 0.00265; 1000 Genomes Project 0.00300.

Submissions (2):

Illumina Laboratory Services, Illumina
Classification: Benign for Sacral defect with anterior meningocele. Last evaluated: 2018-01-13. Review status: criteria provided, single submitter. Criteria: ICSL Variant Classification Criteria 13 December 2019. Collection method: clinical testing. Allele origin: germline.
Comment: This variant was observed in the ICSL laboratory as part of a predisposition screen in an ostensibly healthy population. It had not been previously curated by ICSL or reported in the Human Gene Mutation Database (HGMD: prior to June 1st, 2018), and was therefore a candidate for classification through an automated scoring system. Utilizing variant allele frequency, disease prevalence and penetrance estimates, and inheritance mode, an automated score was calculated to assess if this variant is too frequent to cause the disease. Based on the score and internal cut-off values, a variant classified as benign is not then subjected to further curation. The score for this variant resulted in a classification of benign for this disease.

Illumina Laboratory Services, Illumina
Classification: Likely benign for Neural tube defects, susceptibility to. Last evaluated: 2018-01-13. Review status: criteria provided, single submitter. Criteria: ICSL Variant Classification Criteria 13 December 2019. Collection method: clinical testing. Allele origin: germline.
Comment: This variant was observed in the ICSL laboratory as part of a predisposition screen in an ostensibly healthy population. It had not been previously curated by ICSL or reported in the Human Gene Mutation Database (HGMD: prior to June 1st, 2018), and was therefore a candidate for classification through an automated scoring system. Utilizing variant allele frequency, disease prevalence and penetrance estimates, and inheritance mode, an automated score was calculated to assess if this variant is too frequent to cause the disease. Based on the score and internal cut-off values, a variant classified as likely benign is not then subjected to further curation. The score for this variant resulted in a classification of likely benign for this disease.

NM_138959.3(VANGL1):c.*4788C>G

Gene: VANGL1 (VANGL planar cell polarity protein 1; plus strand). Cytogenetic location: 1p13.1.
Variant type: single nucleotide variant.
Coding change: c.*4788C>G on transcript NM_138959.3 (MANE Select); 4788 bases downstream of the stop codon, C replaced by G.
Molecular consequence: 3 prime UTR variant.
Genome position (GRCh38, 1-based): chr1:115,696,167, C>G. VCF-style: chr1-115696167-C-G. GRCh37 (hg19) VCF-style: chr1-116238788-C-G.
Other names: c.*4788C>G (NM_001172411.2, NM_001172412.2).
Identifiers: ClinVar variation 875842 (VCV000875842.4), dbSNP rs148437823, ClinGen allele CA29601062.